The following is an entry in ClinVar:

NM_000038.6(APC):c.4166_4167dup (p.Val1390fs)

Gene: APC (APC regulator of Wnt signaling pathway; plus strand). Cytogenetic location: 5q22.2.
Variant type: Duplication.
Coding change: c.4166_4167dup on transcript NM_000038.6 (MANE Select); coding-DNA positions 4166 to 4167, 2 bases duplicated (CT; older notation c.4166_4167dupCT).
Protein change: p.Val1390fs; shifts the reading frame from valine 1390.
Molecular consequence: frameshift variant. On other transcripts: non-coding transcript variant (2).
Genome position (GRCh38, 1-based): chr5:112,839,760-112,839,761, CT duplicated; duplicating any 2 consecutive bases within chr5:112,839,759-112,839,761 gives the same sequence; the c. name uses the placement nearest the transcript's 3' end. VCF-style (leftmost placement, unchanged base first): chr5-112839758-T-TTC. GRCh37 (hg19) VCF-style: chr5-112175455-T-TTC.
Other names: c.4166_4167dupCT (NM_000038.5); c.4166_4167dup, p.Val1390fs (NM_001127510.3, NM_001354895.2, NM_001407450.1); c.4112_4113dup, p.Val1372fs (NM_001127511.3); c.4220_4221dup, p.Val1408fs (NM_001354896.2, NM_001407447.1, NM_001407448.1 and 1 more transcripts); c.4196_4197dup, p.Val1400fs (NM_001354897.2); c.4091_4092dup, p.Val1365fs (NM_001354898.2); c.4082_4083dup, p.Val1362fs (NM_001354899.2); c.4043_4044dup, p.Val1349fs (NM_001354900.2); and 12 more; short protein forms V1006fs, V1107fs, V1230fs, V1261fs, V1264fs, V1289fs, V1299fs, V1307fs.
Identifiers: ClinVar variation 2583918 (VCV002583918.3), dbSNP rs2533553419, ClinGen allele CA2582341560.

ClinVar aggregate classification (germline): Pathogenic/Likely pathogenic. Review status: criteria provided, multiple submitters, no conflicts (2 of 4 stars). 2 submissions from 2 submitters: Pathogenic (1); Likely pathogenic (1). Last evaluated 2025-01-07.

Conditions:
Familial adenomatous polyposis 1 (FAP1). Also called: FAMILIAL ADENOMATOUS POLYPOSIS 1, ATTENUATED; POLYPOSIS, ADENOMATOUS INTESTINAL. Identifiers: MedGen C2713442, MONDO:0021056, OMIM 175100. Disease mechanism: loss of function.
Hereditary cancer-predisposing syndrome. Also called: Hereditary neoplastic syndrome; Tumor predisposition; Hereditary Cancer Syndrome; Neoplastic Syndromes, Hereditary. Identifiers: Orphanet 140162, MedGen C0027672, MeSH D009386, MONDO:0015356.

Submissions (2):

Ambry Genetics
Classification: Likely pathogenic for Hereditary cancer-predisposing syndrome. Last evaluated: 2025-01-07. Review status: criteria provided, single submitter. Criteria: Ambry Variant Classification Scheme 2023. Collection method: clinical testing. Allele origin: germline.
Comment: The c.4166_4167dupCT variant, located in coding exon 15 of the APC gene, results from a duplication of CT at nucleotide positions 4166 to 4167, causing a translational frameshift with a predicted alternate stop codon (p.V1390Lfs*26). This alteration occurs at the 3' terminus of theAPC gene, is not expected to trigger nonsense-mediated mRNA decay, and impacts the last 51% of the protein. However, premature stop codons are typically deleterious in nature, a significant portion of the protein is affected, and the impacted region is critical for protein funciton (Ambry internal data). This variant is considered to be rare based on population cohorts in the Genome Aggregation Database (gnomAD). Based on the majority of available evidence to date, this variant is likely to be pathogenic.

Myriad Genetics, Inc.
Classification: Pathogenic for Familial adenomatous polyposis 1. Last evaluated: 2023-05-10. Review status: criteria provided, single submitter. Criteria: Myriad Autosomal Dominant, Autosomal Recessive and X-Linked Classification Criteria (2023). Collection method: clinical testing. Allele origin: unknown.
Comment: This variant is considered pathogenic. This variant creates a frameshift predicted to result in premature protein truncation.